The following is an entry in ClinVar:

NM_001042681.2(RERE):c.1104A>C (p.Thr368=)

Gene: RERE (arginine-glutamic acid dipeptide repeats; minus strand). Cytogenetic location: 1p36.23.
Variant type: single nucleotide variant.
Coding change: c.1104A>C on transcript NM_001042681.2 (MANE Select); coding-DNA position 1104, A replaced by C.
Protein change: p.Thr368=; no amino-acid change (threonine 368 retained).
Molecular consequence: synonymous variant.
Genome position (GRCh38, 1-based): chr1:8,495,063, T>G on the plus strand (A>C on the coding strand, the complement: RERE is on the minus strand). VCF-style: chr1-8495063-T-G. GRCh37 (hg19) VCF-style: chr1-8555123-T-G.
Other names: c.1104A>C (NM_012102.3); c.1104A>C, p.Thr368= (NM_012102.4).
Identifiers: ClinVar variation 2067041 (VCV002067041.5), dbSNP rs201404177, ClinGen allele CA571883.

ClinVar aggregate classification (germline): Conflicting classifications of pathogenicity. Review status: criteria provided, conflicting classifications (1 of 4 stars). 2 submissions from 2 submitters: Uncertain significance (1); Likely benign (1). Last evaluated 2025-03-06.

Conditions:
Inborn genetic diseases. Identifiers: MedGen C0950123, MeSH D030342.

Allele frequency attached by ClinVar (database versions not stated): ExAC 0.00002; 1000 Genomes Project 30x 0.00031; gnomAD exomes 0.00003; TOPMed 0.00042; 1000 Genomes Project 0.00040.
gnomAD v4.1: 73 of 1,607,970 alleles (0.0045%); highest among the groups gnomAD compares: Admixed American, 0.063%; no homozygotes.

Submissions (2):

Ambry Genetics
Classification: Likely benign for Inborn genetic diseases. Last evaluated: 2025-03-06. Review status: criteria provided, single submitter. Criteria: Ambry Variant Classification Scheme 2023. Collection method: clinical testing. Allele origin: germline.

Labcorp Genetics (formerly Invitae), Labcorp
Classification: Uncertain significance. Last evaluated: 2025-01-24. Review status: criteria provided, single submitter. Criteria: Invitae Variant Classification Sherloc (09022015). Collection method: clinical testing. Allele origin: germline.
Comment: This sequence change affects codon 368 of the RERE mRNA. It is a 'silent' change, meaning that it does not change the encoded amino acid sequence of the RERE protein. It affects a nucleotide within the consensus splice site. This variant is present in population databases (rs201404177, gnomAD 0.02%). This variant has not been reported in the literature in individuals affected with RERE-related conditions. ClinVar contains an entry for this variant (Variation ID: 2067041). Algorithms developed to predict the effect of sequence changes on RNA splicing suggest that this variant is not likely to affect RNA splicing. In summary, the available evidence is currently insufficient to determine the role of this variant in disease. Therefore, it has been classified as a Variant of Uncertain Significance.